The following is an entry in ClinVar:

NM_002088.5(GRIK5):c.657C>T (p.Asn219=)

Gene: GRIK5 (glutamate ionotropic receptor kainate type subunit 5; minus strand). Cytogenetic location: 19q13.2.
Variant type: single nucleotide variant.
Coding change: c.657C>T on transcript NM_002088.5 (MANE Select); coding-DNA position 657, C replaced by T.
Protein change: p.Asn219=; no amino-acid change (asparagine 219 retained).
Molecular consequence: synonymous variant.
Genome position (GRCh38, 1-based): chr19:42,059,379, G>A on the plus strand (C>T on the coding strand, the complement: GRIK5 is on the minus strand). VCF-style: chr19-42059379-G-A. GRCh37 (hg19) VCF-style: chr19-42563531-G-A.
Other names: c.657C>T, p.Asn219= (NM_001301030.2).
Identifiers: ClinVar variation 3043080 (VCV003043080.2), dbSNP rs144961263, ClinGen allele CA9468645.

ClinVar aggregate classification (germline): Likely benign (0 of 4 stars; one submission).

Conditions:
GRIK5-related disorder. Also called: GRIK5-related condition.

Allele frequency attached by ClinVar (database versions not stated): ESP Exome Variant Server 0.00008; gnomAD exomes 0.00010; gnomAD 0.00014; 1000 Genomes Project 30x 0.00016; TOPMed 0.00019; 1000 Genomes Project 0.00020; ExAC 0.00021.
gnomAD v4.1: 177 of 1,613,674 alleles (0.011%); highest among the groups gnomAD compares: South Asian, 0.12%; no homozygotes.

Submission:

PreventionGenetics, part of Exact Sciences
Classification: Likely benign for GRIK5-related condition. Last evaluated: 2019-07-01. Review status: no assertion criteria provided. Collection method: clinical testing. Allele origin: germline.
Comment: This variant is classified as likely benign based on ACMG/AMP sequence variant interpretation guidelines (Richards et al. 2015 PMID: 25741868, with internal and published modifications).